The following is an entry in ClinVar:

ClinVar aggregate classification (germline): Pathogenic/Likely pathogenic. Review status: criteria provided, multiple submitters, no conflicts (2 of 4 stars). 3 submissions from 3 submitters: Pathogenic (1); Likely pathogenic (1). 1 of the submissions does not count toward it. Last evaluated 2025-02-04.

Conditions:
Hereditary factor VIII deficiency disease (HEMA). Also called: HEMOPHILIA, CLASSIC; Hemophilia A; Hemophilia A, congenital; HEM A; Factor 8 deficiency, congenital; AUTOSOMAL HEMOPHILIA A. Identifiers: Orphanet 98878, MedGen C0019069, MONDO:0010602, OMIM 306700.

Allele frequency attached by ClinVar (database versions not stated): gnomAD exomes below 0.00001 and 0.00001; TOPMed 0.00002; ExAC 0.00001.
gnomAD v4.1: 1 of 1,211,577 alleles (0.000083%); highest among the groups gnomAD compares: South Asian, 0.0018%; no homozygotes.

Submissions (3):

GeneDx
Classification: Pathogenic. Last evaluated: 2025-02-04. Review status: criteria provided, single submitter. Criteria: GeneDx Variant Classification Process June 2021. Collection method: clinical testing. Allele origin: germline. Affected: yes.
Comment: Published functional studies demonstrate reduced F8 abundance and activity, as well as significantly reduced VWF binding (PMID: 21909383); Not observed at significant frequency in large population cohorts (gnomAD); In silico analysis supports that this missense variant has a deleterious effect on protein structure/function; Also known as p.P2300S; This variant is associated with the following publications: (PMID: 1908817, 9829908, 19473423, 15471879, 37711502, 21909383, 36998198)

ARUP Laboratories, Molecular Genetics and Genomics, ARUP Laboratories
Classification: Likely pathogenic. Last evaluated: 2024-12-07. Review status: criteria provided, single submitter. Criteria: ARUP Molecular Germline Variant Investigation Process 2024. Collection method: clinical testing. Allele origin: germline.
Comment: The F8 c.6955C>T; p.Pro2319Ser variant (rs137852374, ClinVar Variation ID: 10147), also known as Pro2300Ser in traditional nomenclature, is reported in the literature in numerous individuals affected with mild-to-severe hemophilia A (Hooimeijer 2023, see link to F8 database and references therein). This variant is only observed on one allele in the Genome Aggregation Database (v2.1.1), indicating it is not a common polymorphism. Computational analyses predict that this variant is deleterious (REVEL: 0.889). Functional analyses of the variant protein show decreased binding to VWF (Spiegel 2004, van den Biggelaar 2011). Additionally, other variants at this codon (c.6956C>T; p.Pro2319Leu; c.6956C>G, p.Pro2319Arg) have been reported in individuals with hemophilia A and are considered disease-causing (see link to F8 database). Based on available information, the p.Pro2319Ser variant is considered to be likely pathogenic. References: Link to F8 database: Hooimeijer LH et al. Occurrence of FVIII Inhibitors in Hemophilia A Patients Following an Institutional Switch to a Third Generation B-Domain-Deleted FVIII. Clin Appl Thromb Hemost. 2023 Jan-Dec;29:10760296231167416. PMID: 36998198. Spiegel PC et al. Surface-exposed hemophilic mutations across the factor VIII C2 domain have variable effects on stability and binding activities. J Biol Chem. 2004 Dec 17;279(51):53691-8. PMID: 15471879. van den Biggelaar M et al. Storage of factor VIII variants with impaired von Willebrand factor binding in Weibel-Palade bodies in endothelial cells. PLoS One. 2011;6(8):e24163. PMID: 21909383.

OMIM
Classification: Pathogenic for HEMOPHILIA A. Last evaluated: 1991-08-01. Review status: no assertion criteria provided. Collection method: literature only. Allele origin: germline. Not counted in ClinVar's aggregate classification.

Literature cited by the submitters: PubMed 1908817 (cited by OMIM).

NM_000132.4(F8):c.6955C>T (p.Pro2319Ser)

Gene: F8 (coagulation factor VIII; minus strand). Cytogenetic location: Xq28.
Variant type: single nucleotide variant.
Coding change: c.6955C>T on transcript NM_000132.4 (MANE Select); coding-DNA position 6955, C replaced by T.
Protein change: p.Pro2319Ser; replaces proline 2319 with serine.
Molecular consequence: missense variant.
Genome position (GRCh38, 1-based): chrX:154,837,698, G>A on the plus strand (C>T on the coding strand, the complement: F8 is on the minus strand). VCF-style: chrX-154837698-G-A. GRCh37 (hg19) VCF-style: chrX-154065973-G-A.
Other names: F8, PRO2300SER; P2300S; c.550C>T, p.Pro184Ser (NM_019863.3); c.6955C>T (NM_000132.3); short protein forms P2319S, P184S.
Identifiers: ClinVar variation 10147 (VCV000010147.4), dbSNP rs137852374, ClinGen allele CA255041.